The following is an entry in ClinVar:

NM_001346754.2(PIGW):c.1259A>C (p.Asn420Thr)

Genes: MYO19 (myosin XIX; minus strand), PIGW (phosphatidylinositol glycan anchor biosynthesis class W; plus strand). Cytogenetic location: 17q12.
Variant type: single nucleotide variant.
Coding change: c.1259A>C on transcript NM_001346754.2 (MANE Select); coding-DNA position 1259, A replaced by C.
Protein change: p.Asn420Thr; replaces asparagine 420 with threonine.
Molecular consequence: missense variant.
Genome position (GRCh38, 1-based): chr17:36,538,360, A>C. VCF-style: chr17-36538360-A-C. GRCh37 (hg19) VCF-style: chr17-34894209-A-C.
Other names: c.1259A>C, p.Asn420Thr (NM_001346755.2, NM_178517.5); short protein forms N420T.
Identifiers: ClinVar variation 1031308 (VCV001031308.2), dbSNP rs759140627, ClinGen allele CA290116713.
Genomic context (GRCh38, chr17:36,538,360, plus strand): 5'-TTCTAATTAAAGGAGCTCTAGTACCATGTTCTTGGAAACTTATCCAGTCACCTGTTACAA[A>C]TAAAAAGCATTCAGAATCTCTAGTCCCTGAAGCCGAAAGAATGGAACCCAGTCTTTGTTT-3'
Protein context (NP_001333683.1, residues 410-430): SWKLIQSPVT[Asn420Thr]KKHSESLVPE

ClinVar aggregate classification (germline): Uncertain significance. Review status: criteria provided, multiple submitters, no conflicts (2 of 4 stars). 2 submissions from 2 submitters: Uncertain significance (2). Last evaluated 2024-10-07.

Conditions:
Hyperphosphatasia with intellectual disability syndrome 5 (GPIBD11). Also called: GLYCOSYLPHOSPHATIDYLINOSITOL BIOSYNTHESIS DEFECT 11. Identifiers: Orphanet 247262, MedGen C4014958, MONDO:0014457, OMIM 616025.
Inborn genetic diseases. Identifiers: MedGen C0950123, MeSH D030342.

Allele frequency attached by ClinVar (database versions not stated): TOPMed 0.00003; ExAC 0.00001; gnomAD 0.00001; gnomAD exomes below 0.00001.
gnomAD v4.1: 2 of 1,614,076 alleles (0.00012%); no homozygotes.

Submissions (2):

Ambry Genetics
Classification: Uncertain significance for Inborn genetic diseases. Last evaluated: 2024-10-07. Review status: criteria provided, single submitter. Criteria: Ambry Variant Classification Scheme 2023. Collection method: clinical testing. Allele origin: germline.

Baylor Genetics
Classification: Uncertain significance for Hyperphosphatasia with intellectual disability syndrome 5. Last evaluated: 2019-02-12. Review status: criteria provided, single submitter. Criteria: ACMG Guidelines, 2015. Collection method: clinical testing. Allele origin: unknown. Affected: yes.
Comment: This variant was determined to be of uncertain significance according to ACMG Guidelines, 2015 [PMID:25741868].